The following is an entry in ClinVar:

ClinVar aggregate classification (germline): Likely benign. Review status: criteria provided, multiple submitters, no conflicts (2 of 4 stars). 2 submissions from 2 submitters: Likely benign (2). Last evaluated 2025-09-29.

Allele frequency attached by ClinVar (database versions not stated): gnomAD 0.00005 and 0.00006; TOPMed 0.00005; ExAC 0.00008; gnomAD exomes 0.00008 and 0.00010.
gnomAD v4.1: 115 of 1,208,682 alleles (0.0095%); highest among the groups gnomAD compares: Non-Finnish European, 0.013%; no homozygotes.

Submissions (2):

Labcorp Genetics (formerly Invitae), Labcorp
Classification: Likely benign. Last evaluated: 2025-09-29. Review status: criteria provided, single submitter. Criteria: Invitae Variant Classification Sherloc (09022015). Collection method: clinical testing. Allele origin: germline.

CeGaT Center for Human Genetics Tuebingen
Classification: Likely benign. Last evaluated: 2024-01-01. Review status: criteria provided, single submitter. Criteria: CeGaT Center For Human Genetics Tuebingen Variant Classification Criteria Version 2. Collection method: clinical testing. Allele origin: germline. Affected: yes. Observed: 1 variant allele.
Comment: OGT: PP2, BS2

NM_181672.3(OGT):c.835A>G (p.Ile279Val)

Gene: OGT (O-linked N-acetylglucosamine (GlcNAc) transferase; plus strand). Cytogenetic location: Xq13.1.
Variant type: single nucleotide variant.
Coding change: c.835A>G on transcript NM_181672.3 (MANE Select); coding-DNA position 835, A replaced by G.
Protein change: p.Ile279Val; replaces isoleucine 279 with valine.
Molecular consequence: missense variant.
Genome position (GRCh38, 1-based): chrX:71,555,296, A>G. VCF-style: chrX-71555296-A-G. GRCh37 (hg19) VCF-style: chrX-70775146-A-G.
Other names: c.805A>G, p.Ile269Val (NM_181673.3); short protein forms I269V, I279V.
Identifiers: ClinVar variation 745173 (VCV000745173.27), dbSNP rs777634651, ClinGen allele CA10447597.